The following is an entry in ClinVar:

ClinVar aggregate classification (germline): Uncertain significance. Review status: criteria provided, multiple submitters, no conflicts (2 of 4 stars). 3 submissions from 3 submitters: Uncertain significance (3). Last evaluated 2025-03-11.

Conditions:
Tumor predisposition syndrome 3 (TPDS3). Also called: Melanoma, cutaneous malignant, susceptibility to, 10; Glioma susceptibility 9; LONG TELOMERE SYNDROME, POT1-RELATED; POT1 Tumor Predisposition. Identifiers: Orphanet 618, MedGen C4014476, MONDO:0014368, OMIM 615848.
Hereditary cancer-predisposing syndrome. Also called: Tumor predisposition; Neoplastic Syndromes, Hereditary; Hereditary Cancer Syndrome; Hereditary neoplastic syndrome. Identifiers: Orphanet 140162, MedGen C0027672, MeSH D009386, MONDO:0015356.

Allele frequency attached by ClinVar (database versions not stated): gnomAD 0.00001; gnomAD exomes below 0.00001.
gnomAD v4.1: 2 of 1,604,430 alleles (0.00012%); highest among the groups gnomAD compares: African/African-American, 0.0013%; no homozygotes.

Submissions (3):

Labcorp Genetics (formerly Invitae), Labcorp
Classification: Uncertain significance for Tumor predisposition syndrome 3. Last evaluated: 2025-03-11. Review status: criteria provided, single submitter. Criteria: Invitae Variant Classification Sherloc (09022015). Collection method: clinical testing. Allele origin: germline.
Comment: This sequence change replaces isoleucine, which is neutral and non-polar, with valine, which is neutral and non-polar, at codon 49 of the POT1 protein (p.Ile49Val). This variant is present in population databases (no rsID available, gnomAD 0.003%). This variant has not been reported in the literature in individuals affected with POT1-related conditions. ClinVar contains an entry for this variant (Variation ID: 650374). Invitae Evidence Modeling of protein sequence and biophysical properties (such as structural, functional, and spatial information, amino acid conservation, physicochemical variation, residue mobility, and thermodynamic stability) indicates that this missense variant is not expected to disrupt POT1 protein function with a negative predictive value of 80%. In summary, the available evidence is currently insufficient to determine the role of this variant in disease. Therefore, it has been classified as a Variant of Uncertain Significance.

Ambry Genetics
Classification: Uncertain significance for Hereditary cancer-predisposing syndrome. Last evaluated: 2025-03-04. Review status: criteria provided, single submitter. Criteria: Ambry Variant Classification Scheme 2023. Collection method: clinical testing. Allele origin: germline.
Comment: The p.I49V variant (also known as c.145A>G), located in coding exon 3 of the POT1 gene, results from an A to G substitution at nucleotide position 145. The isoleucine at codon 49 is replaced by valine, an amino acid with highly similar properties. This amino acid position is well conserved in available vertebrate species. In addition, this alteration is predicted to be tolerated by in silico analysis. Based on the available evidence, the clinical significance of this variant remains unclear.

GeneDx
Classification: Uncertain significance. Last evaluated: 2023-02-17. Review status: criteria provided, single submitter. Criteria: GeneDx Variant Classification Process June 2021. Collection method: clinical testing. Allele origin: germline. Affected: yes.
Comment: Not observed at significant frequency in large population cohorts (gnomAD); In silico analysis supports that this missense variant does not alter protein structure/function; Has not been previously published as pathogenic or benign to our knowledge; This variant is associated with the following publications: (PMID: 28393830)

NM_015450.3(POT1):c.145A>G (p.Ile49Val)

Gene: POT1 (protection of telomeres 1; minus strand). Cytogenetic location: 7q31.33.
Variant type: single nucleotide variant.
Coding change: c.145A>G on transcript NM_015450.3 (MANE Select); coding-DNA position 145, A replaced by G.
Protein change: p.Ile49Val; replaces isoleucine 49 with valine.
Molecular consequence: missense variant. On other transcripts: non-coding transcript variant (3), intron variant (1).
Genome position (GRCh38, 1-based): chr7:124,871,021, T>C on the plus strand (A>G on the coding strand, the complement: POT1 is on the minus strand). VCF-style: chr7-124871021-T-C. GRCh37 (hg19) VCF-style: chr7-124511075-T-C.
Other names: c.-138-7381A>G (NM_001042594.2); short protein forms I49V.
Identifiers: ClinVar variation 650374 (VCV000650374.10), dbSNP rs1345686360, ClinGen allele CA369061676.
Genomic context (GRCh38, chr7:124,871,021, plus strand): 5'-GGGCTTCATAGTTTCCACTAAAGAGCAGGCAAGTTAGTTTTACATTTGTCTGGTCCACAA[T>C]AGTTACAACTGAGCAATAATCTGGAAAACACAAAAATATTTTACCTGACTTTCAATATTT-3'
Protein context (NP_056265.2, residues 39-59): KGTDYCSVVT[Ile49Val]VDQTNVKLTC